The following is an entry in ClinVar:

ClinVar aggregate classification (germline): Uncertain significance (1 of 4 stars; one submission).

gnomAD v4.1: 1 of 1,614,052 alleles (0.000062%); highest among the groups gnomAD compares: Non-Finnish European, 0.000085%; no homozygotes.

Submission:

GeneDx
Classification: Uncertain significance. Last evaluated: 2023-07-25. Review status: criteria provided, single submitter. Criteria: GeneDx Variant Classification Process June 2021. Collection method: clinical testing. Allele origin: germline. Affected: yes.
Comment: Not observed at significant frequency in large population cohorts (gnomAD); In silico analysis supports that this missense variant has a deleterious effect on protein structure/function; Has not been previously published as pathogenic or benign to our knowledge

NM_001005273.3(CHD3):c.1198G>A (p.Ala400Thr)

Genes: CHD3 (chromodomain helicase DNA binding protein 3; plus strand), LOC126862484 (CDK7 strongly-dependent group 2 enhancer GRCh37_chr17:7797066-7798265; plus strand). Cytogenetic location: 17p13.1.
Variant type: single nucleotide variant.
Coding change: c.1198G>A on transcript NM_001005273.3 (MANE Select); coding-DNA position 1198, G replaced by A.
Protein change: p.Ala400Thr; replaces alanine 400 with threonine.
Molecular consequence: missense variant.
Genome position (GRCh38, 1-based): chr17:7,894,537, G>A. VCF-style: chr17-7894537-G-A. GRCh37 (hg19) VCF-style: chr17-7797855-G-A.
Other names: c.1375G>A, p.Ala459Thr (NM_001005271.3); c.1198G>A, p.Ala400Thr (NM_005852.4); short protein forms A400T, A459T.
Identifiers: ClinVar variation 3361212 (VCV003361212.1).
Genomic context (GRCh38, chr17:7,894,537, plus strand): 5'-GATTACTGTGAGGTGTGCCAGCAGGGTGGGGAAATTATTCTGTGTGACACCTGCCCTCGT[G>A]CCTACCACCTCGTCTGCCTTGATCCTGAGCTTGACCGGGCTCCAGAGGGCAAATGGAGCT-3'
Protein context (NP_001005273.1, residues 390-410): EIILCDTCPR[Ala400Thr]YHLVCLDPEL